The following is an entry in ClinVar:

NM_003801.4(GPAA1):c.1075C>G (p.Leu359Val)

Gene: GPAA1 (glycosylphosphatidylinositol anchor attachment 1; plus strand). Cytogenetic location: 8q24.3.
Variant type: single nucleotide variant.
Coding change: c.1075C>G on transcript NM_003801.4 (MANE Select); coding-DNA position 1075, C replaced by G.
Protein change: p.Leu359Val; replaces leucine 359 with valine.
Molecular consequence: missense variant.
Genome position (GRCh38, 1-based): chr8:144,084,786, C>G. VCF-style: chr8-144084786-C-G. GRCh37 (hg19) VCF-style: chr8-145139689-C-G.
Other names: short protein forms L359V.
Identifiers: ClinVar variation 1926700 (VCV001926700.3), dbSNP rs782253713, ClinGen allele CA187610167.
Genomic context (GRCh38, chr8:144,084,786, plus strand): 5'-TTGGAGGGCATGTTCCGCAAGCTCAACCACCTCCTGGAGCGCCTGCACCAGTCCTTCTTC[C>G]TCTACTTGCTCCCCGGCCTCTCCCGCTTCGTCTCCATCGGCCTCTACATGCCCGCTGTCG-3'
Protein context (NP_003792.1, residues 349-369): LLERLHQSFF[Leu359Val]YLLPGLSRFV

ClinVar aggregate classification (germline): Uncertain significance (1 of 4 stars; one submission).

Allele frequency attached by ClinVar (database versions not stated): gnomAD 0.00001; TOPMed 0.00002.
gnomAD v4.1: 5 of 1,613,746 alleles (0.00031%); highest among the groups gnomAD compares: Non-Finnish European, 0.00042%; no homozygotes.

Submission:

Labcorp Genetics (formerly Invitae), Labcorp
Classification: Uncertain significance. Last evaluated: 2022-04-30. Review status: criteria provided, single submitter. Criteria: Invitae Variant Classification Sherloc (09022015). Collection method: clinical testing. Allele origin: germline.
Comment: This sequence change replaces leucine, which is neutral and non-polar, with valine, which is neutral and non-polar, at codon 359 of the GPAA1 protein (p.Leu359Val). This variant is not present in population databases (gnomAD no frequency). This variant has not been reported in the literature in individuals affected with GPAA1-related conditions. Algorithms developed to predict the effect of missense changes on protein structure and function (SIFT, PolyPhen-2, Align-GVGD) all suggest that this variant is likely to be tolerated. In summary, the available evidence is currently insufficient to determine the role of this variant in disease. Therefore, it has been classified as a Variant of Uncertain Significance.